The following is an entry in ClinVar:

ClinVar aggregate classification (germline): Uncertain significance. Review status: criteria provided, multiple submitters, no conflicts (2 of 4 stars). 3 submissions from 3 submitters: Uncertain significance (3). Last evaluated 2025-02-28.

Conditions:
Epidermolysis bullosa simplex, Ogna type (EBS5A). Also called: Pidermolysis bullosa simplex 5A, Ogna type; EPIDERMOLYSIS BULLOSA SIMPLEX 5A, OGNA TYPE. Identifiers: Orphanet 79401, MedGen C0432317, MONDO:0007555, OMIM 131950.
Autosomal recessive limb-girdle muscular dystrophy type 2Q (LGMDR17). Also called: MUSCULAR DYSTROPHY, LIMB-GIRDLE, AUTOSOMAL RECESSIVE 17. Identifiers: Orphanet 254361, MedGen C3150989, MONDO:0013390, OMIM 613723.
Epidermolysis bullosa simplex 5B, with muscular dystrophy (EBS5B). Also called: Epidermolysis bullosa simplex with muscular dystrophy; EPIDERMOLYSIS BULLOSA SIMPLEX AND LIMB-GIRDLE MUSCULAR DYSTROPHY. Identifiers: Orphanet 257, MedGen C2931072, MONDO:0009181, OMIM 226670.
Epidermolysis bullosa simplex with nail dystrophy (EBS5D). Identifiers: MedGen C4225309, MONDO:0014661, OMIM 616487.
Epidermolysis bullosa simplex 5C, with pyloric atresia (EBS5C). Also called: PLEC-Related Epidermolysis Bullosa with Pyloric Atresia; Epidermolysis bullosa simplex with pyloric atresia; PLEC1-Related Epidermolysis Bullosa with Pyloric Atresia. Identifiers: Orphanet 158684, MedGen C2677349, MONDO:0012807, OMIM 612138.
Inborn genetic diseases. Identifiers: MedGen C0950123, MeSH D030342.

Allele frequency attached by ClinVar (database versions not stated): gnomAD 0.00001; gnomAD exomes 0.00001; TOPMed 0.00001; ExAC 0.00003.
gnomAD v4.1: 7 of 1,591,952 alleles (0.00044%); highest among the groups gnomAD compares: East Asian, 0.0022%; no homozygotes.

Submissions (3):

Ambry Genetics
Classification: Uncertain significance for Inborn genetic diseases. Last evaluated: 2025-02-28. Review status: criteria provided, single submitter. Criteria: Ambry Variant Classification Scheme 2023. Collection method: clinical testing. Allele origin: germline.

CeGaT Center for Human Genetics Tuebingen
Classification: Uncertain significance. Last evaluated: 2023-11-01. Review status: criteria provided, single submitter. Criteria: CeGaT Center For Human Genetics Tuebingen Variant Classification Criteria Version 2. Collection method: clinical testing. Allele origin: germline. Affected: yes. Observed: 1 variant allele.

Labcorp Genetics (formerly Invitae), Labcorp
Classification: Uncertain significance for Autosomal recessive limb-girdle muscular dystrophy type 2Q; Epidermolysis bullosa simplex, Ogna type; Epidermolysis bullosa simplex with nail dystrophy; Epidermolysis bullosa simplex 5C, with pyloric atresia; Epidermolysis bullosa simplex 5B, with muscular dystrophy. Last evaluated: 2022-07-06. Review status: criteria provided, single submitter. Criteria: Invitae Variant Classification Sherloc (09022015). Collection method: clinical testing. Allele origin: germline.
Comment: Algorithms developed to predict the effect of missense changes on protein structure and function (SIFT, PolyPhen-2, Align-GVGD) all suggest that this variant is likely to be tolerated. ClinVar contains an entry for this variant (Variation ID: 471628). This variant has not been reported in the literature in individuals affected with PLEC-related conditions. This variant is present in population databases (rs782287448, gnomAD 0.006%). This sequence change replaces serine, which is neutral and polar, with phenylalanine, which is neutral and non-polar, at codon 2134 of the PLEC protein (p.Ser2134Phe). In summary, the available evidence is currently insufficient to determine the role of this variant in disease. Therefore, it has been classified as a Variant of Uncertain Significance.

NM_201384.3(PLEC):c.6320C>T (p.Ser2107Phe)

Gene: PLEC (plectin; minus strand). Cytogenetic location: 8q24.3.
Variant type: single nucleotide variant.
Coding change: c.6320C>T on transcript NM_201384.3 (MANE Select); coding-DNA position 6320, C replaced by T.
Protein change: p.Ser2107Phe; replaces serine 2107 with phenylalanine.
Molecular consequence: missense variant.
Genome position (GRCh38, 1-based): chr8:143,923,609, G>A on the plus strand (C>T on the coding strand, the complement: PLEC is on the minus strand). VCF-style: chr8-143923609-G-A. GRCh37 (hg19) VCF-style: chr8-144997777-G-A.
Other names: c.6401C>T, p.Ser2134Phe (NM_000445.5); c.6278C>T, p.Ser2093Phe (NM_201378.4); c.6254C>T, p.Ser2085Phe (NM_201379.3); c.6731C>T, p.Ser2244Phe (NM_201380.4); c.6224C>T, p.Ser2075Phe (NM_201381.3); c.6320C>T, p.Ser2107Phe (NM_201382.4); c.6332C>T, p.Ser2111Phe (NM_201383.3); c.6401C>T (NM_000445.3); short protein forms S2075F, S2085F, S2093F, S2107F, S2111F, S2134F, S2244F.
Identifiers: ClinVar variation 471628 (VCV000471628.31), dbSNP rs782287448, ClinGen allele CA4926041.